The following is an entry in ClinVar:

ClinVar aggregate classification (germline): Uncertain significance. Review status: criteria provided, multiple submitters, no conflicts (2 of 4 stars). 3 submissions from 3 submitters: Uncertain significance (3). Last evaluated 2025-09-25.

Conditions:
Inborn genetic diseases. Identifiers: MedGen C0950123, MeSH D030342.
Epilepsy, X-linked 1, with variable learning disabilities and behavior disorders. Also called: X-linked epilepsy-learning disabilities-behavior disorders syndrome. Identifiers: Orphanet 85294, MedGen C5774177, MONDO:0010339, OMIM 300491.

Allele frequency attached by ClinVar (database versions not stated): gnomAD exomes below 0.00001; gnomAD 0.00001; TOPMed 0.00002.
gnomAD v4.1: 2 of 1,051,956 alleles (0.00019%); highest among the groups gnomAD compares: African/African-American, 0.004%; no homozygotes.

Submissions (3):

Ambry Genetics
Classification: Uncertain significance for Inborn genetic diseases. Last evaluated: 2025-09-25. Review status: criteria provided, single submitter. Criteria: Ambry Variant Classification Scheme 2023. Collection method: clinical testing. Allele origin: germline.

GeneDx
Classification: Uncertain significance. Last evaluated: 2024-06-13. Review status: criteria provided, single submitter. Criteria: GeneDx Variant Classification Process June 2021. Collection method: clinical testing. Allele origin: germline. Affected: yes.
Comment: Not observed at significant frequency in large population cohorts (gnomAD); In silico analysis indicates that this missense variant does not alter protein structure/function; Has not been previously published as pathogenic or benign to our knowledge

Labcorp Genetics (formerly Invitae), Labcorp
Classification: Uncertain significance for Epilepsy, X-linked 1, with variable learning disabilities and behavior disorders. Last evaluated: 2023-03-04. Review status: criteria provided, single submitter. Criteria: Invitae Variant Classification Sherloc (09022015). Collection method: clinical testing. Allele origin: germline.
Comment: The frequency data for this variant in the population databases is considered unreliable, as metrics indicate insufficient coverage at this position in the gnomAD database. This variant has not been reported in the literature in individuals affected with SYN1-related conditions. Experimental studies and prediction algorithms are not available or were not evaluated, and the functional significance of this variant is currently unknown. In summary, the available evidence is currently insufficient to determine the role of this variant in disease. Therefore, it has been classified as a Variant of Uncertain Significance. This sequence change replaces glycine, which is neutral and non-polar, with cysteine, which is neutral and slightly polar, at codon 608 of the SYN1 protein (p.Gly608Cys).

NM_006950.3(SYN1):c.1822G>T (p.Gly608Cys)

Gene: SYN1 (synapsin I; minus strand). Cytogenetic location: Xp11.3.
Variant type: single nucleotide variant.
Coding change: c.1822G>T on transcript NM_006950.3 (MANE Select); coding-DNA position 1822, G replaced by T.
Protein change: p.Gly608Cys; replaces glycine 608 with cysteine.
Molecular consequence: missense variant.
Genome position (GRCh38, 1-based): chrX:47,574,162, C>A on the plus strand (G>T on the coding strand, the complement: SYN1 is on the minus strand). VCF-style: chrX-47574162-C-A. GRCh37 (hg19) VCF-style: chrX-47433561-C-A.
Other names: c.1822G>T, p.Gly608Cys (NM_133499.2); short protein forms G608C.
Identifiers: ClinVar variation 2842932 (VCV002842932.5), dbSNP rs1019984242, ClinGen allele CA329057198.
Genomic context (GRCh38, chrX:47,574,162, plus strand): 5'-GGCCCGGGCCGCTGGGCCGAGGCTGCTGCGTGGTGGGTGGCCCAGTGCGGGGCACGGGAC[C>A]CGCCTGGCTGGCCTGGCGTGTGGGGCCGGCTGGGCCTGGGGGTTTCTGGGGCGGGCCCTG-3'
Protein context (NP_008881.2, residues 598-618): AGPTRQASQA[Gly608Cys]PVPRTGPPTT